The following is an entry in ClinVar:

NM_001171.6(ABCC6):c.3652T>C (p.Trp1218Arg)

Gene: ABCC6 (ATP binding cassette subfamily C member 6; minus strand). Cytogenetic location: 16p13.11.
Variant type: single nucleotide variant.
Coding change: c.3652T>C on transcript NM_001171.6 (MANE Select); coding-DNA position 3652, T replaced by C.
Protein change: p.Trp1218Arg; replaces tryptophan 1218 with arginine.
Molecular consequence: missense variant. On other transcripts: non-coding transcript variant (1).
Genome position (GRCh38, 1-based): chr16:16,159,565, A>G on the plus strand (T>C on the coding strand, the complement: ABCC6 is on the minus strand). VCF-style: chr16-16159565-A-G. GRCh37 (hg19) VCF-style: chr16-16253422-A-G.
Other names: c.3310T>C, p.Trp1104Arg (NM_001351800.1); short protein forms W1218R, W1104R.
Identifiers: ClinVar variation 1914126 (VCV001914126.5), dbSNP rs114017587, ClinGen allele CA394878906.

ClinVar aggregate classification (germline): Uncertain significance (1 of 4 stars; one submission).

Allele frequency attached by ClinVar (database versions not stated): gnomAD exomes below 0.00001; TOPMed below 0.00001.
gnomAD v4.1: 4 of 1,613,964 alleles (0.00025%); highest among the groups gnomAD compares: Non-Finnish European, 0.00025%; no homozygotes.

Submission:

Labcorp Genetics (formerly Invitae), Labcorp
Classification: Uncertain significance. Last evaluated: 2024-12-18. Review status: criteria provided, single submitter. Criteria: Invitae Variant Classification Sherloc (09022015). Collection method: clinical testing. Allele origin: germline.
Comment: This sequence change replaces tryptophan, which is neutral and slightly polar, with arginine, which is basic and polar, at codon 1218 of the ABCC6 protein (p.Trp1218Arg). This variant is not present in population databases (gnomAD no frequency). This variant has not been reported in the literature in individuals affected with ABCC6-related conditions. ClinVar contains an entry for this variant (Variation ID: 1914126). Invitae Evidence Modeling of protein sequence and biophysical properties (such as structural, functional, and spatial information, amino acid conservation, physicochemical variation, residue mobility, and thermodynamic stability) has been performed for this missense variant. However, the output from this modeling did not meet the statistical confidence thresholds required to predict the impact of this variant on ABCC6 protein function. In summary, the available evidence is currently insufficient to determine the role of this variant in disease. Therefore, it has been classified as a Variant of Uncertain Significance.